The following is an entry in ClinVar:

ClinVar aggregate classification (germline): Conflicting classifications of pathogenicity. Review status: criteria provided, conflicting classifications (1 of 4 stars). 2 submissions from 2 submitters: Uncertain significance (1); Likely benign (1). Last evaluated 2023-03-23.

Conditions:
Hereditary cancer-predisposing syndrome. Also called: Tumor predisposition; Hereditary neoplastic syndrome; Neoplastic Syndromes, Hereditary; Hereditary Cancer Syndrome. Identifiers: Orphanet 140162, MedGen C0027672, MeSH D009386, MONDO:0015356.
Hereditary breast ovarian cancer syndrome. Also called: Hereditary breast and ovarian cancer syndrome; Hereditary breast and/or ovarian cancer syndrome; Hereditary breast and ovarian cancer; Hereditary breast and ovarian cancer syndrome (HBOC); Breast and ovarian cancer; BRCA1- and BRCA2-Associated Hereditary Breast and Ovarian Cancer. Identifiers: Orphanet 145, MedGen C0677776, MeSH D061325, MONDO:0003582. Disease mechanism: loss of function.

Submissions (2):

University of Washington Department of Laboratory Medicine, University of Washington
Classification: Likely benign for Hereditary cancer-predisposing syndrome. Last evaluated: 2023-03-23. Review status: criteria provided, single submitter. Criteria: Dines et al. (Genet Med. 2020). Collection method: curation. Allele origin: germline.
Comment: Missense variant in a coldspot region where missense variants are very unlikely to be pathogenic (PMID:31911673).

BRCA2 exon 11 coldspot. Reclassification based on statistical prior probability.

Labcorp Genetics (formerly Invitae), Labcorp
Classification: Uncertain significance for Hereditary breast ovarian cancer syndrome. Last evaluated: 2022-10-05. Review status: criteria provided, single submitter. Criteria: Invitae Variant Classification Sherloc (09022015). Collection method: clinical testing. Allele origin: germline.
Comment: In summary, the available evidence is currently insufficient to determine the role of this variant in disease. Therefore, it has been classified as a Variant of Uncertain Significance. Advanced modeling of protein sequence and biophysical properties (such as structural, functional, and spatial information, amino acid conservation, physicochemical variation, residue mobility, and thermodynamic stability) performed at Invitae indicates that this missense variant is not expected to disrupt BRCA2 protein function. This variant has not been reported in the literature in individuals affected with BRCA2-related conditions. This variant is not present in population databases (gnomAD no frequency). This sequence change replaces lysine, which is basic and polar, with glutamic acid, which is acidic and polar, at codon 1590 of the BRCA2 protein (p.Lys1590Glu).

NM_000059.4(BRCA2):c.4768A>G (p.Lys1590Glu)

Gene: BRCA2 (BRCA2 DNA repair associated; plus strand). Cytogenetic location: 13q13.1.
Variant type: single nucleotide variant.
Coding change: c.4768A>G on transcript NM_000059.4 (MANE Select); coding-DNA position 4768, A replaced by G.
Protein change: p.Lys1590Glu; replaces lysine 1590 with glutamic acid.
Molecular consequence: missense variant.
Genome position (GRCh38, 1-based): chr13:32,339,123, A>G. VCF-style: chr13-32339123-A-G. GRCh37 (hg19) VCF-style: chr13-32913260-A-G.
Other names: c.4768A>G, p.Lys1590Glu (NM_001406719.1, NM_001406720.1); short protein forms K1590E.
Identifiers: ClinVar variation 2173549 (VCV002173549.6), dbSNP rs2137510022, ClinGen allele CA387783156.